The following is an entry in ClinVar:

NM_000238.4(KCNH2):c.2080C>T (p.Arg694Cys)

Gene: KCNH2 (potassium voltage-gated channel subfamily H member 2; minus strand). Cytogenetic location: 7q36.1.
Variant type: single nucleotide variant.
Coding change: c.2080C>T on transcript NM_000238.4 (MANE Select); coding-DNA position 2080, C replaced by T.
Protein change: p.Arg694Cys; replaces arginine 694 with cysteine.
Molecular consequence: missense variant.
Genome position (GRCh38, 1-based): chr7:150,950,986, G>A on the plus strand (C>T on the coding strand, the complement: KCNH2 is on the minus strand). VCF-style: chr7-150950986-G-A. GRCh37 (hg19) VCF-style: chr7-150648074-G-A.
Other names: c.2080C>T (NM_000238.2); c.1060C>T, p.Arg354Cys (NM_001204798.2, NM_172057.3); c.1792C>T, p.Arg598Cys (NM_001406753.1, NM_001406756.1); c.1903C>T, p.Arg635Cys (NM_001406755.1); c.1780C>T, p.Arg594Cys (NM_001406757.1); c.2080C>T, p.Arg694Cys (NM_172056.3); short protein forms R354C, R694C, R635C, R594C, R598C.
Identifiers: ClinVar variation 651990 (VCV000651990.59), dbSNP rs765717858, ClinGen allele CA030540.

ClinVar aggregate classification (germline): Uncertain significance. Review status: criteria provided, multiple submitters, no conflicts (2 of 4 stars). 7 submissions from 7 submitters: Uncertain significance (7). Last evaluated 2026-01-12.

Conditions:
Cardiovascular phenotype. Identifiers: MedGen CN230736.
Cardiac arrhythmia. Also called: Cardiac rhythm disease; Arrhythmia. Identifiers: MedGen C0003811, MONDO:0007263, HP:0011675.
Short QT syndrome type 1. Identifiers: Orphanet 51083, MedGen C1865020, MONDO:0012312, OMIM 609620.
Long QT syndrome 2 (LQT2). Identifiers: Orphanet 101016, Orphanet 768, MedGen C3150943, MONDO:0013367, OMIM 613688.
Long QT syndrome (LQTS). Identifiers: MedGen C0023976, MeSH D008133, MONDO:0002442. Disease mechanism: loss of function. Inheritance: Various modes of inheritance.

Allele frequency attached by ClinVar (database versions not stated): ExAC 0.00001; gnomAD exomes 0.00001; TOPMed 0.00001.
gnomAD v4.1: 5 of 1,614,256 alleles (0.00031%); highest among the groups gnomAD compares: African/African-American, 0.0027%; no homozygotes.

Submissions (7):

Labcorp Genetics (formerly Invitae), Labcorp
Classification: Uncertain significance for Long QT syndrome. Last evaluated: 2026-01-12. Review status: criteria provided, single submitter. Criteria: Invitae Variant Classification Sherloc (09022015). Collection method: clinical testing. Allele origin: germline.
Comment: This sequence change replaces arginine, which is basic and polar, with cysteine, which is neutral and slightly polar, at codon 694 of the KCNH2 protein (p.Arg694Cys). This variant is present in population databases (rs765717858, gnomAD 0.007%). This variant has not been reported in the literature in individuals affected with KCNH2-related conditions. ClinVar contains an entry for this variant (Variation ID: 651990). An algorithm developed to predict the effect of missense changes on protein structure and function (PolyPhen-2) suggests that this variant is likely to be disruptive. In summary, the available evidence is currently insufficient to determine the role of this variant in disease. Therefore, it has been classified as a Variant of Uncertain Significance.

Ambry Genetics
Classification: Uncertain significance for Cardiovascular phenotype. Last evaluated: 2025-11-19. Review status: criteria provided, single submitter. Criteria: Ambry Variant Classification Scheme 2023. Collection method: clinical testing. Allele origin: germline.
Comment: The p.R694C variant (also known as c.2080C>T), located in coding exon 8 of the KCNH2 gene, results from a C to T substitution at nucleotide position 2080. The arginine at codon 694 is replaced by cysteine, an amino acid with highly dissimilar properties. This amino acid position is highly conserved in available vertebrate species. In addition, this alteration is predicted to be deleterious by in silico analysis. Since supporting evidence is limited at this time, the clinical significance of this alteration remains unclear.

GeneDx
Classification: Uncertain significance. Last evaluated: 2025-06-03. Review status: criteria provided, single submitter. Criteria: GeneDx Variant Classification Process June 2021. Collection method: clinical testing. Allele origin: germline. Affected: yes.
Comment: Not observed at significant frequency in large population cohorts (gnomAD); In silico analysis supports that this missense variant has a deleterious effect on protein structure/function; Has not been previously published as pathogenic or benign to our knowledge

All of Us Research Program, National Institutes of Health
Classification: Uncertain significance for Long QT syndrome. Last evaluated: 2023-12-01. Review status: criteria provided, single submitter. Criteria: ACMG Guidelines, 2015. Collection method: clinical testing. Allele origin: germline. Inheritance: Autosomal dominant inheritance. Observed: 1 variant allele, 1 heterozygote.
Comment: This missense variant replaces arginine with cysteine at codon 694 of the KCNH2 protein. Computational prediction tools and conservation analyses suggest that this variant may have deleterious impact on the protein function. Computational splicing tools suggest that this variant may not impact RNA splicing. To our knowledge, functional assays have not been performed for this variant nor has this variant been reported in individuals affected with cardiovascular disorders in the literature. This variant has been identified in 2/251388 chromosomes in the general population by the Genome Aggregation Database (gnomAD). Available evidence is insufficient to determine the role of this variant in disease conclusively. Therefore, this variant is classified as a Variant of Uncertain Significance.

This study involves interpretation of variants in research participants for the purpose of population health screening. Participant phenotype was not available at the time of variant classification. Additional details can be found in publication PMID: 35346344, PMCID: PMC8962531

Fulgent Genetics
Classification: Uncertain significance for Short QT syndrome type 1; Long QT syndrome 2. Last evaluated: 2021-07-26. Review status: criteria provided, single submitter. Criteria: ACMG Guidelines, 2015. Collection method: clinical testing. Allele origin: unknown.

Color Diagnostics, LLC DBA Color Health
Classification: Uncertain significance for Cardiac arrhythmia. Last evaluated: 2019-06-09. Review status: criteria provided, single submitter. Criteria: ACMG Guidelines, 2015. Collection method: clinical testing. Allele origin: germline.
Comment: This missense variant replaces arginine with cysteine at codon 694 of the KCNH2 protein. Computational prediction tools and conservation analyses suggest that this variant may have deleterious impact on the protein function. Computational splicing tools suggest that this variant may not impact RNA splicing. To our knowledge, functional assays have not been performed for this variant nor has this variant been reported in individuals affected with cardiovascular disorders in the literature. This variant has been identified in 2/251388 chromosomes in the general population by the Genome Aggregation Database (gnomAD). Available evidence is insufficient to determine the role of this variant in disease conclusively. Therefore, this variant is classified as a Variant of Uncertain Significance.

Breakthrough Genomics
Classification: Uncertain significance. Review status: criteria provided, single submitter. Criteria: ACMG Guidelines, 2015. Collection method: not provided. Allele origin: germline. Inheritance: Autosomal recessive inheritance. Affected: yes.